The following is an entry in ClinVar:

NM_001330078.2(NRXN1):c.1134+4A>G

Gene: NRXN1 (neurexin 1; minus strand). Cytogenetic location: 2p16.3.
Variant type: single nucleotide variant.
Coding change: c.1134+4A>G on transcript NM_001330078.2 (MANE Select); 4 bases into the intron after coding-DNA position 1134, A replaced by G.
Molecular consequence: intron variant.
Genome position (GRCh38, 1-based): chr2:50,623,310, T>C on the plus strand (A>G on the coding strand, the complement: NRXN1 is on the minus strand). VCF-style: chr2-50623310-T-C. GRCh37 (hg19) VCF-style: chr2-50850448-T-C.
Other names: c.1074+4A>G (NM_001330096.2, NM_001330087.2, NM_001330083.2 and 1 more transcripts); c.1104+4A>G (NM_001330088.2); c.1131+4A>G (NM_001330093.2); c.1122+4A>G (NM_001330094.2); c.1134+4A>G (NM_001330095.2, NM_001330082.2, NM_001330077.2 and 3 more transcripts); c.1233+4A>G (NM_001135659.3).
Identifiers: ClinVar variation 4718138 (VCV004718138.1).

ClinVar aggregate classification (germline): Uncertain significance (1 of 4 stars; one submission).

Conditions:
Pitt-Hopkins-like syndrome 2 (PTHSL2). Identifiers: Orphanet 221150, Orphanet 600663, MedGen C3280479, MONDO:0013690, OMIM 614325.

gnomAD v4.1: 3 of 1,611,092 alleles (0.00019%); highest among the groups gnomAD compares: Non-Finnish European, 0.00025%; no homozygotes.

Submission:

Labcorp Genetics (formerly Invitae), Labcorp
Classification: Uncertain significance for Pitt-Hopkins-like syndrome 2. Last evaluated: 2025-04-22. Review status: criteria provided, single submitter. Criteria: Invitae Variant Classification Sherloc (09022015). Collection method: clinical testing. Allele origin: germline.
Comment: This sequence change falls in intron 7 of the NRXN1 gene. It does not directly change the encoded amino acid sequence of the NRXN1 protein. It affects a nucleotide within the consensus splice site. This variant is present in population databases (no rsID available, gnomAD 0.0009%). This variant has not been reported in the literature in individuals affected with NRXN1-related conditions. Variants that disrupt the consensus splice site are a relatively common cause of aberrant splicing (PMID: 17576681, 9536098). Algorithms developed to predict the effect of sequence changes on RNA splicing suggest that this variant may disrupt the consensus splice site. In summary, the available evidence is currently insufficient to determine the role of this variant in disease. Therefore, it has been classified as a Variant of Uncertain Significance.

Literature cited by the submitters: PubMed 17576681; PubMed 9536098.